The following is an entry in ClinVar:

ClinVar aggregate classification (germline): Uncertain significance (1 of 4 stars; one submission).

Allele frequency attached by ClinVar (database versions not stated): TOPMed below 0.00001; gnomAD 0.00001.
gnomAD v4.1: 25 of 1,225,706 alleles (0.002%); highest among the groups gnomAD compares: Non-Finnish European, 0.0025%; no homozygotes.

Submission:

Labcorp Genetics (formerly Invitae), Labcorp
Classification: Uncertain significance. Last evaluated: 2024-07-26. Review status: criteria provided, single submitter. Criteria: Invitae Variant Classification Sherloc (09022015). Collection method: clinical testing. Allele origin: germline.
Comment: This sequence change replaces glutamine, which is neutral and polar, with leucine, which is neutral and non-polar, at codon 17 of the INPPL1 protein (p.Gln17Leu). This variant is not present in population databases (gnomAD no frequency). This variant has not been reported in the literature in individuals affected with INPPL1-related conditions. ClinVar contains an entry for this variant (Variation ID: 1956757). Experimental studies and prediction algorithms are not available or were not evaluated, and the functional significance of this variant is currently unknown. In summary, the available evidence is currently insufficient to determine the role of this variant in disease. Therefore, it has been classified as a Variant of Uncertain Significance.

NM_001567.4(INPPL1):c.50A>T (p.Gln17Leu)

Gene: INPPL1 (inositol polyphosphate phosphatase like 1; plus strand). Cytogenetic location: 11q13.4.
Variant type: single nucleotide variant.
Coding change: c.50A>T on transcript NM_001567.4 (MANE Select); coding-DNA position 50, A replaced by T.
Protein change: p.Gln17Leu; replaces glutamine 17 with leucine.
Molecular consequence: missense variant.
Genome position (GRCh38, 1-based): chr11:72,225,034, A>T. VCF-style: chr11-72225034-A-T. GRCh37 (hg19) VCF-style: chr11-71936078-A-T.
Other names: short protein forms Q17L.
Identifiers: ClinVar variation 1956757 (VCV001956757.5), dbSNP rs1948628587, ClinGen allele CA381754954.